The following is an entry in ClinVar:

ClinVar aggregate classification (germline): Uncertain significance. Review status: criteria provided, single submitter (1 of 4 stars). 2 submissions from 2 submitters: Uncertain significance (1). 1 of the submissions does not count toward it. Last evaluated 2017-08-17.

Conditions:
Cardiovascular phenotype. Identifiers: MedGen CN230736.
Familial long QT syndrome (RWS). Also called: Congenital long QT syndrome; Romano-Ward syndrome; VENTRICULAR FIBRILLATION WITH PROLONGED QT INTERVAL. Identifiers: Orphanet 768, MedGen C1141890, MONDO:0019171.

Submissions (2):

Ambry Genetics
Classification: Uncertain significance for Cardiovascular phenotype. Last evaluated: 2017-08-17. Review status: criteria provided, single submitter. Criteria: Ambry Variant Classification Scheme 2023. Collection method: clinical testing. Allele origin: germline.

Cardiovascular Biomedical Research Unit, Royal Brompton & Harefield NHS Foundation Trust
No classification provided. Condition: Familial long QT syndrome. Review status: no classification provided. Collection method: literature only. Allele origin: germline. Not counted in ClinVar's aggregate classification.
Comment: This variant has been reported in the following publications (PMID:17211524).

Literature cited by the submitters: PubMed 17211524 (cited by Cardiovascular Biomedical Research Unit, Royal Brompton & Harefield NHS Foundation Trust); PubMed 22581653 (cited by Cardiovascular Biomedical Research Unit, Royal Brompton & Harefield NHS Foundation Trust).

NM_000891.3(KCNJ2):c.921G>A (p.Met307Ile)

Gene: KCNJ2 (potassium inwardly rectifying channel subfamily J member 2; plus strand). Cytogenetic location: 17q24.3.
Variant type: single nucleotide variant.
Coding change: c.921G>A on transcript NM_000891.3 (MANE Select); coding-DNA position 921, G replaced by A.
Protein change: p.Met307Ile; replaces methionine 307 with isoleucine.
Molecular consequence: missense variant.
Genome position (GRCh38, 1-based): chr17:70,175,960, G>A. VCF-style: chr17-70175960-G-A. GRCh37 (hg19) VCF-style: chr17-68172101-G-A.
Other names: c.921G>A (LRG_328t1); short protein forms M307I.
Identifiers: ClinVar variation 67592 (VCV000067592.2), dbSNP rs199473658, ClinGen allele CA329711.
Genomic context (GRCh38, chr17:70,175,960, plus strand): 5'-TGACAACGCAGACTTTGAAATCGTGGTCATACTGGAAGGCATGGTGGAAGCCACTGCCAT[G>A]ACGACACAGTGCCGTAGCTCTTATCTAGCAAATGAAATCCTGTGGGGCCACCGCTATGAG-3'
Protein context (NP_000882.1, residues 297-317): ILEGMVEATA[Met307Ile]TTQCRSSYLA